The following is an entry in ClinVar:

NM_000059.4(BRCA2):c.772C>A (p.Gln258Lys)

Gene: BRCA2 (BRCA2 DNA repair associated; plus strand). Cytogenetic location: 13q13.1.
Variant type: single nucleotide variant.
Coding change: c.772C>A on transcript NM_000059.4 (MANE Select); coding-DNA position 772, C replaced by A.
Protein change: p.Gln258Lys; replaces glutamine 258 with lysine.
Molecular consequence: missense variant. On other transcripts: non-coding transcript variant (1).
Genome position (GRCh38, 1-based): chr13:32,331,009, C>A. VCF-style: chr13-32331009-C-A. GRCh37 (hg19) VCF-style: chr13-32905146-C-A.
Other names: c.772C>A, p.Gln258Lys (NM_001406719.1, NM_001406720.1, NM_001406721.1 and 1 more transcripts); c.403C>A, p.Gln135Lys (NM_001406722.1); short protein forms Q135K, Q258K.
Identifiers: ClinVar variation 4850687 (VCV004850687.1).
Genomic context (GRCh38, chr13:32,331,009, plus strand): 5'-GAAAGTCTGAAGAAAAATGATAGATTTATCGCTTCTGTGACAGACAGTGAAAACACAAAT[C>A]AAAGAGAAGCTGCAAGTCATGGTAAGTCCTCTGTTTAGTTGAACTACAGGTTTTTTTGTT-3'
Protein context (NP_000050.3, residues 248-268): ASVTDSENTN[Gln258Lys]REAASHGFGK

ClinVar aggregate classification (germline): Likely benign (1 of 4 stars; one submission).

Conditions:
Inherited breast cancer and ovarian cancer.

Submission:

Genomics and Molecular Medicine Service, East Genomic Laboratory Hub, NHS Genomic Medicine Service
Classification: Likely benign for Inherited breast cancer and ovarian cancer. Last evaluated: 2026-03-31. Review status: criteria provided, single submitter. Criteria: ACGS Best Practice Guidelines for Variant Classification in Rare Disease 2020. Collection method: clinical testing. Allele origin: germline. Affected: yes.
Comment: BP1_Strong,BP4